The following is an entry in ClinVar:

NM_182961.4(SYNE1):c.16584T>C (p.His5528=)

Gene: SYNE1 (spectrin repeat containing nuclear envelope protein 1; minus strand). Cytogenetic location: 6q25.2.
Variant type: single nucleotide variant.
Coding change: c.16584T>C on transcript NM_182961.4 (MANE Select); coding-DNA position 16584, T replaced by C.
Protein change: p.His5528=; no amino-acid change (histidine 5528 retained).
Molecular consequence: synonymous variant.
Genome position (GRCh38, 1-based): chr6:152,316,975, A>G on the plus strand (T>C on the coding strand, the complement: SYNE1 is on the minus strand). VCF-style: chr6-152316975-A-G. GRCh37 (hg19) VCF-style: chr6-152638110-A-G.
Other names: c.16371T>C, p.His5457= (NM_033071.5).
Identifiers: ClinVar variation 2150485 (VCV002150485.6), dbSNP rs774912972, ClinGen allele CA4055471.

ClinVar aggregate classification (germline): Likely benign. Review status: criteria provided, single submitter (1 of 4 stars). 2 submissions from 2 submitters: Likely benign (1). 1 of the submissions does not count toward it. Last evaluated 2025-09-02.

Conditions:
Autosomal recessive ataxia, Beauce type. Also called: SYNE1-Related Autosomal Recessive Cerebellar Ataxia; Spinocerebellar ataxia, autosomal recessive 8; ATAXIA, RECESSIVE, OF BEAUCE; SYNE1 Deficiency. Identifiers: Orphanet 88644, MedGen C1853116, MONDO:0012549, OMIM 610743.
Emery-Dreifuss muscular dystrophy 4, autosomal dominant (EDMD4). Also called: EMERY-DREIFUSS MUSCULAR DYSTROPHY 4 WITH VARIABLE FEATURES. Identifiers: Orphanet 261, MedGen C2751807, MONDO:0013071, OMIM 612998.
SYNE1-related disorder. Also called: SYNE1-related disorders; SYNE1-related disease; SYNE1-related condition.

Allele frequency attached by ClinVar (database versions not stated): gnomAD exomes 0.00001; ExAC 0.00003; gnomAD 0.00005; TOPMed 0.00006.
gnomAD v4.1: 23 of 1,613,986 alleles (0.0014%); highest among the groups gnomAD compares: East Asian, 0.049%; no homozygotes.

Submissions (2):

Labcorp Genetics (formerly Invitae), Labcorp
Classification: Likely benign for Emery-Dreifuss muscular dystrophy 4, autosomal dominant; Autosomal recessive ataxia, Beauce type. Last evaluated: 2025-09-02. Review status: criteria provided, single submitter. Criteria: Invitae Variant Classification Sherloc (09022015). Collection method: clinical testing. Allele origin: germline.

PreventionGenetics, part of Exact Sciences
Classification: Likely benign for SYNE1-related condition. Last evaluated: 2019-05-24. Review status: no assertion criteria provided. Collection method: clinical testing. Allele origin: germline. Not counted in ClinVar's aggregate classification.
Comment: This variant is classified as likely benign based on ACMG/AMP sequence variant interpretation guidelines (Richards et al. 2015 PMID: 25741868, with internal and published modifications).